The following is an entry in ClinVar:

NM_001868.4(CPA1):c.1219C>T (p.Leu407Phe)

Gene: CPA1 (carboxypeptidase A1; plus strand). Cytogenetic location: 7q32.2.
Variant type: single nucleotide variant.
Coding change: c.1219C>T on transcript NM_001868.4 (MANE Select); coding-DNA position 1219, C replaced by T.
Protein change: p.Leu407Phe; replaces leucine 407 with phenylalanine.
Molecular consequence: missense variant.
Genome position (GRCh38, 1-based): chr7:130,387,970, C>T. VCF-style: chr7-130387970-C-T. GRCh37 (hg19) VCF-style: chr7-130027811-C-T.
Other names: short protein forms L407F.
Identifiers: ClinVar variation 1752399 (VCV001752399.6), dbSNP rs1323076870, ClinGen allele CA369284557.
Genomic context (GRCh38, chr7:130,387,970, plus strand): 5'-TATGGCTTCCTGCTGCCAGCCTCCCAGATCATCCCCACAGCCAAGGAGACGTGGCTGGCG[C>T]TTCTGACCATCATGGAGCACACCCTGAATCACCCCTACTGAGCTGACCCTTTGACACCCT-3'
Protein context (NP_001859.1, residues 397-417): IPTAKETWLA[Leu407Phe]LTIMEHTLNH

ClinVar aggregate classification (germline): Uncertain significance. Review status: criteria provided, multiple submitters, no conflicts (2 of 4 stars). 2 submissions from 2 submitters: Uncertain significance (2). Last evaluated 2024-09-19.

Conditions:
Hereditary pancreatitis (PCTT). Also called: Hereditary chronic pancreatitis; PRSS1-Related Hereditary Pancreatitis. Identifiers: Orphanet 676, MedGen C0238339, MONDO:0008185, OMIM 167800.

Allele frequency attached by ClinVar (database versions not stated): gnomAD exomes below 0.00001; gnomAD 0.00001; TOPMed 0.00002.

Submissions (2):

Ambry Genetics
Classification: Uncertain significance for Hereditary pancreatitis. Last evaluated: 2024-09-19. Review status: criteria provided, single submitter. Criteria: Ambry Variant Classification Scheme 2023. Collection method: clinical testing. Allele origin: germline.
Comment: The p.L407F variant (also known as c.1219C>T), located in coding exon 10 of the CPA1 gene, results from a C to T substitution at nucleotide position 1219. The leucine at codon 407 is replaced by phenylalanine, an amino acid with highly similar properties. This amino acid position is well conserved in available vertebrate species. In addition, this alteration is predicted to be tolerated by in silico analysis. Since supporting evidence is limited at this time, the clinical significance of this alteration remains unclear.

Labcorp Genetics (formerly Invitae), Labcorp
Classification: Uncertain significance. Last evaluated: 2023-06-22. Review status: criteria provided, single submitter. Criteria: Invitae Variant Classification Sherloc (09022015). Collection method: clinical testing. Allele origin: germline.
Comment: In summary, the available evidence is currently insufficient to determine the role of this variant in disease. Therefore, it has been classified as a Variant of Uncertain Significance. Advanced modeling of protein sequence and biophysical properties (such as structural, functional, and spatial information, amino acid conservation, physicochemical variation, residue mobility, and thermodynamic stability) performed at Invitae indicates that this missense variant is not expected to disrupt CPA1 protein function. ClinVar contains an entry for this variant (Variation ID: 1752399). This variant has not been reported in the literature in individuals affected with CPA1-related conditions. This variant is present in population databases (no rsID available, gnomAD 0.002%). This sequence change replaces leucine, which is neutral and non-polar, with phenylalanine, which is neutral and non-polar, at codon 407 of the CPA1 protein (p.Leu407Phe).